The following is an entry in ClinVar:

ClinVar aggregate classification (germline): Uncertain significance (1 of 4 stars; one submission).

Allele frequency attached by ClinVar (database versions not stated): TOPMed below 0.00001.
gnomAD v4.1: 6 of 1,614,140 alleles (0.00037%); highest among the groups gnomAD compares: Non-Finnish European, 0.00051%; no homozygotes.

Submission:

Labcorp Genetics (formerly Invitae), Labcorp
Classification: Uncertain significance. Last evaluated: 2023-01-22. Review status: criteria provided, single submitter. Criteria: Invitae Variant Classification Sherloc (09022015). Collection method: clinical testing. Allele origin: germline.
Comment: This sequence change replaces arginine, which is basic and polar, with lysine, which is basic and polar, at codon 417 of the KANK1 protein (p.Arg417Lys). This variant is present in population databases (no rsID available, gnomAD 0.002%). This variant has not been reported in the literature in individuals affected with KANK1-related conditions. Advanced modeling of protein sequence and biophysical properties (such as structural, functional, and spatial information, amino acid conservation, physicochemical variation, residue mobility, and thermodynamic stability) performed at Invitae indicates that this missense variant is not expected to disrupt KANK1 protein function. In summary, the available evidence is currently insufficient to determine the role of this variant in disease. Therefore, it has been classified as a Variant of Uncertain Significance.

NM_015158.5(KANK1):c.1250G>A (p.Arg417Lys)

Gene: KANK1 (KN motif and ankyrin repeat domains 1; plus strand). Cytogenetic location: 9p24.3.
Variant type: single nucleotide variant.
Coding change: c.1250G>A on transcript NM_015158.5 (MANE Select); coding-DNA position 1250, G replaced by A.
Protein change: p.Arg417Lys; replaces arginine 417 with lysine.
Molecular consequence: missense variant. On other transcripts: non-coding transcript variant (1).
Genome position (GRCh38, 1-based): chr9:712,016, G>A. VCF-style: chr9-712016-G-A. GRCh37 (hg19) VCF-style: chr9-712016-G-A.
Other names: c.1250G>A, p.Arg417Lys (NM_001256876.3, NM_001256877.3, NM_001354331.2 and 2 more transcripts); c.776G>A, p.Arg259Lys (NM_001354333.2, NM_001354335.2, NM_001354336.2 and 9 more transcripts); short protein forms R259K, R417K.
Identifiers: ClinVar variation 2787832 (VCV002787832.3), dbSNP rs980999444, ClinGen allele CA372747825.
Genomic context (GRCh38, chr9:712,016, plus strand): 5'-AGTGCCGGTCTGTGGCTGTGGGTGCCGAGGAGAACATGAACGACATCGTCGTGTACCACA[G>A]AGGCTCCAGGTCCTGTAAGGATGCAGCTGTAGGGACACTTGTTGAGATGAGAAATTGTGG-3'
Protein context (NP_055973.2, residues 407-427): ENMNDIVVYH[Arg417Lys]GSRSCKDAAV